The following is an entry in ClinVar:

NM_000540.3(RYR1):c.6549-1_6553dup

Gene: RYR1 (ryanodine receptor 1; plus strand). Cytogenetic location: 19q13.2.
Variant type: Duplication.
Coding change: c.6549-1_6553dup on transcript NM_000540.3 (MANE Select); the canonical splice acceptor site of the intron before coding-DNA position 6549 through coding-DNA position 6553, 6 bases duplicated (GGAACA; older notation c.6549-1_6553dupGGAACA).
Molecular consequence: splice acceptor variant.
Genome position (GRCh38, 1-based): chr19:38,496,214-38,496,219, GGAACA duplicated; duplicating any 6 consecutive bases within chr19:38,496,211-38,496,219 gives the same sequence; the c. name uses the placement nearest the transcript's 3' end. VCF-style (leftmost placement, unchanged base first): chr19-38496210-C-CACAGGA. GRCh37 (hg19) VCF-style: chr19-38986850-C-CACAGGA.
Other names: c.6549-1_6553dupGGAACA (NM_000540.2); c.6549-1_6553dup (NM_001042723.2).
Identifiers: ClinVar variation 659818 (VCV000659818.7), dbSNP rs1600807622, ClinGen allele CA915952996.

ClinVar aggregate classification (germline): Uncertain significance (1 of 4 stars; one submission).

Conditions:
RYR1-related disorder. Also called: RYR1-related disorders; RYR1-related condition. Identifiers: MedGen CN239331.

Submission:

Labcorp Genetics (formerly Invitae), Labcorp
Classification: Uncertain significance for RYR1-related disorder. Last evaluated: 2018-07-12. Review status: criteria provided, single submitter. Criteria: Invitae Variant Classification Sherloc (09022015). Collection method: clinical testing. Allele origin: germline.
Comment: In summary, the available evidence is currently insufficient to determine the role of this variant in disease. Therefore, it has been classified as a Variant of Uncertain Significance. This insertion change is located in a region of the RYR1 protein where a significant number of previously reported RYR1 missense mutations are found (PMID: 16084090). These observations suggest that a previously unreported disruptive substitution within this region may affect protein function, but experiments have not been done to test this possibility. Algorithms developed to predict the effect of sequence changes on RNA splicing suggest that this variant is not likely to affect RNA splicing, but this prediction has not been confirmed by published transcriptional studies. Experimental studies and prediction algorithms are not available for this variant, and the functional significance of the inserted amino acids is currently unknown. This variant has not been reported in the literature in individuals with RYR1-related disease. This variant is not present in population databases (ExAC no frequency). This variant, c.6549-1_6553dupGGAACA, results in the insertion of 2 amino acids to the RYR1 protein (p.Asn2184_Ile2185insArgAsn), but otherwise preserves the integrity of the reading frame.

Literature cited by the submitters: PubMed 16084090.